The following is an entry in ClinVar:

NC_000006.12:g.31665458G>A

Genes: CSNK2B (casein kinase 2 beta; plus strand), GPANK1 (G-patch domain and ankyrin repeats 1; minus strand). Cytogenetic location: 6p21.33.
Variant type: single nucleotide variant.
Molecular consequence: intron variant (on NM_001199237.1).
Genome position: GRCh38 VCF-style: chr6-31665458-G-A. GRCh37 (hg19) VCF-style: chr6-31633235-G-A.
Other names: c.-263+403C>T (NM_001199237.1); c.-263+116C>T (NM_001199239.1); c.-266+116C>T (NM_001199238.1); c.-266+101C>T (NM_001199240.1).
Identifiers: ClinVar variation 4873772 (VCV004873772.2).
Genomic context (GRCh38, chr6:31,665,458, plus strand): 5'-ACCATTACTCTGACCAGGGTTCGAAGGTCACACTTAGAGCCTAAGGGGAAATGGAGAAGT[G>A]CAAAGGGACGAGCAGAATGGCTGGCACCACCTCAGGTTAGCGCACTGGGACGTTCCAGTT-3'

ClinVar aggregate classification (germline): Uncertain significance (1 of 4 stars; one submission).

gnomAD v4.1: 4 of 1,569,492 alleles (0.00025%); highest among the groups gnomAD compares: East Asian, 0.0024%; no homozygotes.

Submission:

CeGaT Center for Human Genetics Tuebingen
Classification: Uncertain significance. Last evaluated: 2026-06-01. Review status: criteria provided, single submitter. Criteria: CeGaT Center For Human Genetics Tuebingen Variant Classification Criteria Version 2. Collection method: clinical testing. Allele origin: germline. Affected: yes. Observed: 1 variant allele.
Comment: CSNK2B: PP2, BP4